The following is an entry in ClinVar:

NM_000257.4(MYH7):c.5703C>G (p.His1901Gln)

Gene: MYH7 (myosin heavy chain 7; minus strand). Cytogenetic location: 14q11.2.
Variant type: single nucleotide variant.
Coding change: c.5703C>G on transcript NM_000257.4 (MANE Select); coding-DNA position 5703, C replaced by G.
Protein change: p.His1901Gln; replaces histidine 1901 with glutamine.
Molecular consequence: missense variant.
Genome position (GRCh38, 1-based): chr14:23,413,846, G>C on the plus strand (C>G on the coding strand, the complement: MYH7 is on the minus strand). VCF-style: chr14-23413846-G-C. GRCh37 (hg19) VCF-style: chr14-23883055-G-C.
Other names: c.5703C>G, p.His1901Gln (NM_001407004.1); short protein forms H1901Q.
Identifiers: ClinVar variation 4710121 (VCV004710121.1).

ClinVar aggregate classification (germline): Uncertain significance (1 of 4 stars; one submission).

Conditions:
Hypertrophic cardiomyopathy. Also called: HYPERTROPHIC MYOCARDIOPATHY. Identifiers: Orphanet 217569, MedGen C0007194, MeSH D002312, MONDO:0005045, HP:0001639.

gnomAD v4.1: 2 of 1,614,246 alleles (0.00012%); highest among the groups gnomAD compares: Non-Finnish European, 0.00017%; no homozygotes.

Submission:

Labcorp Genetics (formerly Invitae), Labcorp
Classification: Uncertain significance for Hypertrophic cardiomyopathy. Last evaluated: 2025-05-18. Review status: criteria provided, single submitter. Criteria: Invitae Variant Classification Sherloc (09022015). Collection method: clinical testing. Allele origin: germline.
Comment: This sequence change replaces histidine, which is basic and polar, with glutamine, which is neutral and polar, at codon 1901 of the MYH7 protein (p.His1901Gln). This variant is not present in population databases (gnomAD no frequency). This missense change has been observed in individual(s) with dilated cardiomyopathy (PMID: 19412328). Invitae Evidence Modeling of protein sequence and biophysical properties (such as structural, functional, and spatial information, amino acid conservation, physicochemical variation, residue mobility, and thermodynamic stability) has been performed for this missense variant. However, the output from this modeling did not meet the statistical confidence thresholds required to predict the impact of this variant on MYH7 protein function. In summary, the available evidence is currently insufficient to determine the role of this variant in disease. Therefore, it has been classified as a Variant of Uncertain Significance.

Literature cited by the submitters: PubMed 19412328.